The following is an entry in ClinVar:

ClinVar aggregate classification (germline): Uncertain significance. Review status: criteria provided, multiple submitters, no conflicts (2 of 4 stars). 2 submissions from 2 submitters: Uncertain significance (2). Last evaluated 2025-09-23.

Conditions:
PKD1L1-related disorder. Also called: PKD1L1-related condition.

Allele frequency attached by ClinVar (database versions not stated): gnomAD exomes 0.00002; ExAC 0.00003; TOPMed 0.00005; gnomAD 0.00006.
gnomAD v4.1: 35 of 1,613,292 alleles (0.0022%); highest among the groups gnomAD compares: African/African-American, 0.019%; no homozygotes.

Submissions (2):

PreventionGenetics, part of Exact Sciences
Classification: Uncertain significance for PKD1L1-related condition. Last evaluated: 2025-09-23. Review status: criteria provided, single submitter. Criteria: ACMG Guidelines, 2015. Collection method: clinical testing. Allele origin: germline.
Comment: The PKD1L1 c.3663+5G>A variant is predicted to interfere with splicing. This variant is predicted to impact splicing based on a splicing prediction program (SpliceAI, Jaganathan K, et al. 2019. PubMed ID: 30661751). To our knowledge, this variant has not been reported in the literature. This variant is reported in 0.020% of alleles in individuals of African descent in gnomAD. At this time, the clinical significance of this variant is uncertain due to the absence of conclusive functional and genetic evidence.

GeneDx
Classification: Uncertain significance. Last evaluated: 2025-04-10. Review status: criteria provided, single submitter. Criteria: GeneDx Variant Classification Process June 2021. Collection method: clinical testing. Allele origin: germline. Affected: yes.
Comment: In silico analysis supports a deleterious effect on splicing; Has not been previously published as pathogenic or benign to our knowledge

NM_138295.5(PKD1L1):c.3663+5G>A

Gene: PKD1L1 (polycystin 1 like 1, transient receptor potential channel interacting; minus strand). Cytogenetic location: 7p12.3.
Variant type: single nucleotide variant.
Coding change: c.3663+5G>A on transcript NM_138295.5 (MANE Select); 5 bases into the intron after coding-DNA position 3663, G replaced by A.
Molecular consequence: intron variant.
Genome position (GRCh38, 1-based): chr7:47,877,484, C>T on the plus strand (G>A on the coding strand, the complement: PKD1L1 is on the minus strand). VCF-style: chr7-47877484-C-T. GRCh37 (hg19) VCF-style: chr7-47917082-C-T.
Identifiers: ClinVar variation 3032890 (VCV003032890.4), dbSNP rs756023792, ClinGen allele CA4253352.